The following is an entry in ClinVar:

ClinVar aggregate classification (germline): Uncertain significance (1 of 4 stars; one submission).

Submission:

GeneDx
Classification: Uncertain significance. Last evaluated: 2026-07-23. Review status: criteria provided, single submitter. Criteria: GeneDx Variant Classification Process June 2021. Collection method: clinical testing. Allele origin: germline.
Comment: Not observed at significant frequency in large population cohorts (gnomAD); In silico analysis supports that this missense variant has a deleterious effect on protein structure/function; Has not been previously published as pathogenic or benign to our knowledge

NM_005647.4(TBL1X):c.1578C>G (p.Asp526Glu)

Gene: TBL1X (transducin beta like 1 X-linked; plus strand). Cytogenetic location: Xp22.2.
Variant type: single nucleotide variant.
Coding change: c.1578C>G on transcript NM_005647.4 (MANE Select); coding-DNA position 1578, C replaced by G.
Protein change: p.Asp526Glu; replaces aspartic acid 526 with glutamic acid.
Molecular consequence: missense variant.
Genome position (GRCh38, 1-based): chrX:9,711,749, C>G. VCF-style: chrX-9711749-C-G. GRCh37 (hg19) VCF-style: chrX-9679789-C-G.
Other names: c.1578C>G, p.Asp526Glu (NM_001139466.1); c.1425C>G, p.Asp475Glu (NM_001139467.1, NM_001139468.1); short protein forms D475E, D526E.
Identifiers: ClinVar variation 3764309 (VCV003764309.2).